The following is an entry in ClinVar:

ClinVar aggregate classification (germline): Uncertain significance (1 of 4 stars; one submission).

Conditions:
MC3R-related disorder. Also called: MC3R-related condition.

Submission:

PreventionGenetics, part of Exact Sciences
Classification: Uncertain significance for MC3R-related condition. Last evaluated: 2026-09-18. Review status: criteria provided, single submitter. Criteria: ACMG Guidelines, 2015. Collection method: clinical testing. Allele origin: germline.
Comment: The MC3R c.747C>T variant is not predicted to result in an amino acid change (p.=). This variant is predicted to impact splicing by one available splicing algorithm (SpliceAI, Jaganathan et al. 2019. PubMed ID: 30661751). To our knowledge, this synonymous variant has not been reported in the literature or in a large population database (gnomAD), indicating that this variant is rare. At this time, the clinical significance of this variant is uncertain due to the absence of conclusive functional and genetic evidence.

NM_019888.3(MC3R):c.747C>T (p.Gly249=)

Gene: MC3R (melanocortin 3 receptor; plus strand). Cytogenetic location: 20q13.2.
Variant type: single nucleotide variant.
Coding change: c.747C>T on transcript NM_019888.3 (MANE Select); coding-DNA position 747, C replaced by T.
Protein change: p.Gly249=; no amino-acid change (glycine 249 retained).
Molecular consequence: synonymous variant.
Genome position (GRCh38, 1-based): chr20:56,249,590, C>T. VCF-style: chr20-56249590-C-T. GRCh37 (hg19) VCF-style: chr20-54824646-C-T.
Identifiers: ClinVar variation 3358722 (VCV003358722.2).
Genomic context (GRCh38, chr20:56,249,590, plus strand): 5'-GGTGGCCCCACAGCAACACTCATGCATGAAGGGGGCAGTCACCATCACCATTCTCCTGGG[C>T]GTGTTCATCTTCTGCTGGGCCCCCTTCTTCCTCCACCTGGTCCTCATCATCACCTGCCCC-3'
Protein context (NP_063941.3, residues 239-259): KGAVTITILL[Gly249=]VFIFCWAPFF